The following is an entry in ClinVar:

NM_001042492.3(NF1):c.3929C>T (p.Thr1310Ile)

Gene: NF1 (neurofibromin 1; plus strand). Cytogenetic location: 17q11.2.
Variant type: single nucleotide variant.
Coding change: c.3929C>T on transcript NM_001042492.3 (MANE Select); coding-DNA position 3929, C replaced by T.
Protein change: p.Thr1310Ile; replaces threonine 1310 with isoleucine.
Molecular consequence: missense variant.
Genome position (GRCh38, 1-based): chr17:31,235,976, C>T. VCF-style: chr17-31235976-C-T. GRCh37 (hg19) VCF-style: chr17-29562994-C-T.
Other names: c.3929C>T, p.Thr1310Ile (NM_000267.4); short protein forms T1310I.
Identifiers: ClinVar variation 837643 (VCV000837643.14), dbSNP rs1555615554, ClinGen allele CA398993188.

ClinVar aggregate classification (germline): Uncertain significance. Review status: criteria provided, multiple submitters, no conflicts (2 of 4 stars). 3 submissions from 3 submitters: Uncertain significance (3). Last evaluated 2026-09-10.

Conditions:
Hereditary cancer-predisposing syndrome. Also called: Tumor predisposition; Hereditary neoplastic syndrome; Neoplastic Syndromes, Hereditary; Hereditary Cancer Syndrome. Identifiers: Orphanet 140162, MedGen C0027672, MeSH D009386, MONDO:0015356.
Cardiovascular phenotype. Identifiers: MedGen CN230736.
Neurofibromatosis, type 1 (NF1). Also called: VON RECKLINGHAUSEN DISEASE; NEUROFIBROMATOSIS, TYPE I, SOMATIC; Peripheral type neurofibromatosis; Neurofibromatosis, type I. Identifiers: Orphanet 636, MedGen C0027831, MONDO:0018975, OMIM 162200. Disease mechanism: loss of function.

Allele frequency attached by ClinVar (database versions not stated): gnomAD exomes below 0.00001.
gnomAD v4.1: 2 of 1,614,032 alleles (0.00012%); highest among the groups gnomAD compares: South Asian, 0.0011%; no homozygotes.

Submissions (3):

Ambry Genetics
Classification: Uncertain significance for Cardiovascular phenotype; Hereditary cancer-predisposing syndrome. Last evaluated: 2026-09-10. Review status: criteria provided, single submitter. Criteria: Ambry Variant Classification Scheme 2023. Collection method: clinical testing. Allele origin: germline.

GeneDx
Classification: Uncertain significance. Last evaluated: 2026-03-17. Review status: criteria provided, single submitter. Criteria: GeneDx Variant Classification Process June 2021. Collection method: clinical testing. Allele origin: germline.
Comment: Not observed at significant frequency in large population cohorts (gnomAD); In silico analysis supports that this missense variant has a deleterious effect on protein structure/function; Has not been previously published as pathogenic or benign to our knowledge; This variant is associated with the following publications: (PMID: 25486365, 22807134)

Labcorp Genetics (formerly Invitae), Labcorp
Classification: Uncertain significance for Neurofibromatosis, type 1. Last evaluated: 2023-12-05. Review status: criteria provided, single submitter. Criteria: Invitae Variant Classification Sherloc (09022015). Collection method: clinical testing. Allele origin: germline.
Comment: This sequence change replaces threonine, which is neutral and polar, with isoleucine, which is neutral and non-polar, at codon 1310 of the NF1 protein (p.Thr1310Ile). This variant is not present in population databases (gnomAD no frequency). This variant has not been reported in the literature in individuals affected with NF1-related conditions. ClinVar contains an entry for this variant (Variation ID: 837643). Advanced modeling of protein sequence and biophysical properties (such as structural, functional, and spatial information, amino acid conservation, physicochemical variation, residue mobility, and thermodynamic stability) has been performed at Invitae for this missense variant, however the output from this modeling did not meet the statistical confidence thresholds required to predict the impact of this variant on NF1 protein function. In summary, the available evidence is currently insufficient to determine the role of this variant in disease. Therefore, it has been classified as a Variant of Uncertain Significance.